The following is an entry in ClinVar:

NM_005458.8(GABBR2):c.797G>A (p.Cys266Tyr)

Gene: GABBR2 (gamma-aminobutyric acid type B receptor subunit 2; minus strand). Cytogenetic location: 9q22.33.
Variant type: single nucleotide variant.
Coding change: c.797G>A on transcript NM_005458.8 (MANE Select); coding-DNA position 797, G replaced by A.
Protein change: p.Cys266Tyr; replaces cysteine 266 with tyrosine.
Molecular consequence: missense variant.
Genome position (GRCh38, 1-based): chr9:98,480,933, C>T on the plus strand (G>A on the coding strand, the complement: GABBR2 is on the minus strand). VCF-style: chr9-98480933-C-T. GRCh37 (hg19) VCF-style: chr9-101243215-C-T.
Other names: short protein forms C266Y.
Identifiers: ClinVar variation 2101105 (VCV002101105.4), dbSNP rs2491685492, ClinGen allele CA374351703.

ClinVar aggregate classification (germline): Uncertain significance (1 of 4 stars; one submission).

Conditions:
Epileptic encephalopathy. Identifiers: MedGen C0543888, HP:0200134.

Submission:

Labcorp Genetics (formerly Invitae), Labcorp
Classification: Uncertain significance for Epileptic encephalopathy. Last evaluated: 2022-02-21. Review status: criteria provided, single submitter. Criteria: Invitae Variant Classification Sherloc (09022015). Collection method: clinical testing. Allele origin: germline.
Comment: This sequence change replaces cysteine, which is neutral and slightly polar, with tyrosine, which is neutral and polar, at codon 266 of the GABBR2 protein (p.Cys266Tyr). This variant is not present in population databases (gnomAD no frequency). This variant has not been reported in the literature in individuals affected with GABBR2-related conditions. Algorithms developed to predict the effect of missense changes on protein structure and function are either unavailable or do not agree on the potential impact of this missense change (SIFT: "Deleterious"; PolyPhen-2: "Probably Damaging"; Align-GVGD: "Class C0"). In summary, the available evidence is currently insufficient to determine the role of this variant in disease. Therefore, it has been classified as a Variant of Uncertain Significance.